The following is an entry in ClinVar:

ClinVar aggregate classification (germline): Uncertain significance (1 of 4 stars; one submission).

Conditions:
Norman-Roberts syndrome (LIS2). Also called: Lissencephaly 2 (Norman-Roberts type). Identifiers: Orphanet 89844, MedGen C0796089, MONDO:0009760, OMIM 257320.
Familial temporal lobe epilepsy 7. Identifiers: Orphanet 101046, MedGen C4225327, MONDO:0014639, OMIM 616436.

Submission:

Labcorp Genetics (formerly Invitae), Labcorp
Classification: Uncertain significance for Familial temporal lobe epilepsy 7; Norman-Roberts syndrome. Last evaluated: 2025-03-29. Review status: criteria provided, single submitter. Criteria: Invitae Variant Classification Sherloc (09022015). Collection method: clinical testing. Allele origin: germline.
Comment: This sequence change replaces serine, which is neutral and polar, with alanine, which is neutral and non-polar, at codon 3455 of the RELN protein (p.Ser3455Ala). This variant is not present in population databases (gnomAD no frequency). This variant has not been reported in the literature in individuals affected with RELN-related conditions. Invitae Evidence Modeling of protein sequence and biophysical properties (such as structural, functional, and spatial information, amino acid conservation, physicochemical variation, residue mobility, and thermodynamic stability) indicates that this missense variant is not expected to disrupt RELN protein function with a negative predictive value of 80%. In summary, the available evidence is currently insufficient to determine the role of this variant in disease. Therefore, it has been classified as a Variant of Uncertain Significance.

NM_005045.4(RELN):c.10363T>G (p.Ser3455Ala)

Genes: SLC26A5-AS1 (SLC26A5 antisense RNA 1; plus strand), RELN (reelin; minus strand). Cytogenetic location: 7q22.1.
Variant type: single nucleotide variant.
Coding change: c.10363T>G on transcript NM_005045.4 (MANE Select); coding-DNA position 10363, T replaced by G.
Protein change: p.Ser3455Ala; replaces serine 3455 with alanine.
Molecular consequence: missense variant.
Genome position (GRCh38, 1-based): chr7:103,472,832, A>C on the plus strand (T>G on the coding strand, the complement: RELN is on the minus strand). VCF-style: chr7-103472832-A-C. GRCh37 (hg19) VCF-style: chr7-103113279-A-C.
Other names: c.10357T>G, p.Ser3453Ala (NM_173054.3); short protein forms S3455A, S3453A.
Identifiers: ClinVar variation 4783214 (VCV004783214.1).
Genomic context (GRCh38, chr7:103,472,832, plus strand): 5'-CATCACATGTTGGAAGAAAAAAAATAAACTTTTTGATTCTTCATGGGTATCGCCTAAGTG[A>C]CCTTCGTCTTCTGTTGTAGAAATGTCTGAGCCCATGTTGTCGTGAAAAATTCATCATGTA-3'
Protein context (NP_005036.2, residues 3445-3460): LRHFYNRRRR[Ser3455Ala]LRRYP